The following is an entry in ClinVar:

ClinVar aggregate classification (germline): Benign (1 of 4 stars; one submission).

Conditions:
Sessile serrated polyposis cancer syndrome (SSPCS). Identifiers: Orphanet 157798, MedGen C4310714, MONDO:0014919, OMIM 617108.

Submission:

Myriad Genetics, Inc.
Classification: Benign for Sessile serrated polyposis cancer syndrome. Last evaluated: 2026-07-02. Review status: criteria provided, single submitter. Criteria: Myriad Autosomal Dominant, Autosomal Recessive and X-Linked Classification Criteria (2023). Collection method: clinical testing. Allele origin: unknown.
Comment: This variant is considered benign. This variant is a silent/synonymous amino acid change and it is not expected to impact splicing.

NM_017763.6(RNF43):c.1849A>C (p.Arg617=)

Gene: RNF43 (ring finger protein 43; minus strand). Cytogenetic location: 17q22.
Variant type: single nucleotide variant.
Coding change: c.1849A>C on transcript NM_017763.6 (MANE Select); coding-DNA position 1849, A replaced by C.
Protein change: p.Arg617=; no amino-acid change (arginine 617 retained).
Molecular consequence: synonymous variant.
Genome position (GRCh38, 1-based): chr17:58,357,927, T>G on the plus strand (A>C on the coding strand, the complement: RNF43 is on the minus strand). VCF-style: chr17-58357927-T-G. GRCh37 (hg19) VCF-style: chr17-56435288-T-G.
Other names: c.1849A>C, p.Arg617= (NM_001305544.3, NM_001438820.1, NM_001438821.1 and 1 more transcripts); c.1468A>C, p.Arg490= (NM_001305545.2, NM_001437987.1).
Identifiers: ClinVar variation 5042095 (VCV005042095.1).
Genomic context (GRCh38, chr17:58,357,927, plus strand): 5'-TGGTACTGGGGCAGATGCTGGAGGCGTCAACTGGGCCAGGGGCTGGCTCAGGGAGGGCCC[T>G]GGGGCACTGTGGGTTAGAGAGCCGCCCCGAAGGGGCTGCTGAGTTGGATCTGGTGACTTG-3'
Protein context (NP_060233.3, residues 607-627): SGRLSNPQCP[Arg617=]ALPEPAPGPV